The following is an entry in ClinVar:

ClinVar aggregate classification (germline): Uncertain significance (1 of 4 stars; one submission).

Conditions:
Dyskeratosis congenita, autosomal dominant 6 (DKCA6). Identifiers: Orphanet 3322, MedGen C4225284, MONDO:0014690, OMIM 616553.

Submission:

Labcorp Genetics (formerly Invitae), Labcorp
Classification: Uncertain significance for Dyskeratosis congenita, autosomal dominant 6. Last evaluated: 2021-12-05. Review status: criteria provided, single submitter. Criteria: Invitae Variant Classification Sherloc (09022015). Collection method: clinical testing. Allele origin: germline.
Comment: This sequence change replaces glutamine, which is neutral and polar, with histidine, which is basic and polar, at codon 116 of the ACD protein (p.Gln116His). This variant is not present in population databases (gnomAD no frequency). This variant has not been reported in the literature in individuals affected with ACD-related conditions. Algorithms developed to predict the effect of missense changes on protein structure and function output the following: SIFT: "Tolerated"; PolyPhen-2: "Possibly Damaging"; Align-GVGD: "Class C0". The histidine amino acid residue is found in multiple mammalian species, which suggests that this missense change does not adversely affect protein function. In summary, the available evidence is currently insufficient to determine the role of this variant in disease. Therefore, it has been classified as a Variant of Uncertain Significance.

NM_001082486.2(ACD):c.90G>C (p.Gln30His)

Gene: ACD (ACD shelterin complex subunit and telomerase recruitment factor; minus strand). Cytogenetic location: 16q22.1.
Variant type: single nucleotide variant.
Coding change: c.90G>C on transcript NM_001082486.2 (MANE Select); coding-DNA position 90, G replaced by C.
Protein change: p.Gln30His; replaces glutamine 30 with histidine.
Molecular consequence: missense variant.
Genome position (GRCh38, 1-based): chr16:67,660,131, C>G on the plus strand (G>C on the coding strand, the complement: ACD is on the minus strand). VCF-style: chr16-67660131-C-G. GRCh37 (hg19) VCF-style: chr16-67694034-C-G.
Other names: c.90G>C, p.Gln30His (NM_022914.3); short protein forms Q30H.
Identifiers: ClinVar variation 1492476 (VCV001492476.6), dbSNP rs1242526760, ClinGen allele CA396358136.